The following is an entry in ClinVar:

NM_000161.3(GCH1):c.626+2_626+3insTT

Gene: GCH1 (GTP cyclohydrolase 1; minus strand). Cytogenetic location: 14q22.2.
Variant type: Insertion.
Coding change: c.626+2_626+3insTT on transcript NM_000161.3 (MANE Select); the canonical splice donor site of the intron after coding-DNA position 626 through 3 bases into the intron after coding-DNA position 626, TT inserted.
Molecular consequence: splice donor variant. On other transcripts: intron variant (1).
Genome position: GRCh38 VCF-style: chr14-54845765-T-TAA. GRCh37 (hg19) VCF-style: chr14-55312483-T-TAA.
Other names: c.510-2712_510-2711insTT (NM_001424104.1); c.626+2_626+3insTT (NM_001024071.2, NM_001024070.2, NM_001024024.2); c.332+2_332+3insTT (NM_001424105.1).
Identifiers: ClinVar variation 3377466 (VCV003377466.7).

ClinVar aggregate classification (germline): Likely pathogenic. Review status: criteria provided, multiple submitters, no conflicts (2 of 4 stars). 2 submissions from 2 submitters: Likely pathogenic (2). Last evaluated 2024-10-25.

Conditions:
Dystonia 5 (DRD). Also called: DYSTONIA, PROGRESSIVE, WITH DIURNAL VARIATION; DYSTONIA-PARKINSONISM WITH DIURNAL FLUCTUATION; GTP Cyclohydrolase 1-Deficient Dopa-Responsive Dystonia; Dystonia, DOPA-responsive, with or without hyperphenylalaninemia; DYT-GCH1. Identifiers: Orphanet 98808, MedGen C1851920, MONDO:0007495, OMIM 128230.

Submissions (2):

Institute of Human Genetics Munich, TUM University Hospital
Classification: Likely pathogenic for Dystonia 5. Last evaluated: 2024-10-25. Review status: criteria provided, single submitter. Criteria: Classification criteria August 2017. Collection method: clinical testing. Allele origin: maternal. Inheritance: Autosomal dominant inheritance. Affected: yes. Observed: 1 variant allele.

Victorian Clinical Genetics Services, Murdoch Childrens Research Institute
Classification: Likely pathogenic for Dystonia 5. Last evaluated: 2020-05-25. Review status: criteria provided, single submitter. Criteria: ACMG Guidelines, 2015. Collection method: clinical testing. Allele origin: germline.
Comment: Based on the classification scheme VCGS_Germline_v1.1.1, this variant is classified as Likely Pathogenic. Following criteria are met: 0102 - Loss-of-function is a known mechanism of disease for this gene. (N) 0104 - Dominant Negative is a mechanism of disease for this gene. (N) 0108 - This gene is known to be associated with both recessive and dominant disease (OMIM). (N) 0112 - Variants in this gene are known to have reduced penetrance (OMIM). (N) 0212 - Non-canonical splice variant without proven consequence on splicing (no functional evidence available) (intron 5 of 5). (P) 0251 - Variant is heterozygous. (N) 0301 - Variant is absent from gnomAD. (P) 0505 - Abnormal splicing is predicted by in-silico tools and affected nucleotide is highly conserved. (P) 0702 - Comparable variants have strong previous evidence for pathogenicity. Alternate variants (insertion of a single T and G>A at +5) in the same splice region have previously been reported as pathogenic (PMID: 11113234). (P) 0807 - Variant has not previously been reported in a clinical context. (N) 0905 - No segregation evidence has been identified for this variant, ie. no segregation studies in literature. (N) 1007 - No published functional evidence has been identified for this variant. (N) 1208 - Inheritance information for this variant is not currently available. (N) Legend: (P) - Pathogenic, (N) - Neutral, (B) - Benign

Literature cited by the submitters: PubMed 11113234 (cited by Victorian Clinical Genetics Services, Murdoch Childrens Research Institute).